The following is an entry in ClinVar:

ClinVar aggregate classification (germline): Pathogenic (1 of 4 stars; one submission).

Conditions:
Alport syndrome. Also called: Hemorrhagic familial nephritis; Hemorrhagic hereditary nephritis; Congenital hereditary hematuria. Identifiers: Orphanet 63, MedGen C1567741, MONDO:0018965.

Submission:

Myriad Genetics, Inc.
Classification: Pathogenic for Alport syndrome. Last evaluated: 2024-02-03. Review status: criteria provided, single submitter. Criteria: Myriad Autosomal Dominant, Autosomal Recessive and X-Linked Classification Criteria (2023). Collection method: clinical testing. Allele origin: unknown.
Comment: NM_000091.4(COL4A3):c.148G>T(E50*) is expected to be pathogenic in the context of Alport syndrome, COL4A3-related. This variant is predicted to lead to an abnormal or absent protein product due to the creation of a premature termination codon in COL4A3, a gene where loss-of-function variants are known to be pathogenic. Please note: this variant was assessed in the context of healthy population screening.

NM_000091.5(COL4A3):c.148G>T (p.Glu50Ter)

Genes: COL4A3 (collagen type IV alpha 3 chain; plus strand), MFF-DT (MFF divergent transcript; minus strand). Cytogenetic location: 2q36.3.
Variant type: single nucleotide variant.
Coding change: c.148G>T on transcript NM_000091.5 (MANE Select); coding-DNA position 148, G replaced by T.
Protein change: p.Glu50Ter; replaces glutamic acid 50 with a stop codon.
Molecular consequence: nonsense.
Genome position (GRCh38, 1-based): chr2:227,240,146, G>T. VCF-style: chr2-227240146-G-T. GRCh37 (hg19) VCF-style: chr2-228104862-G-T.
Other names: short protein forms E50*.
Identifiers: ClinVar variation 5014977 (VCV005014977.1).